The following is an entry in ClinVar:

ClinVar aggregate classification (germline): Likely benign. Review status: criteria provided, multiple submitters, no conflicts (2 of 4 stars). 2 submissions from 2 submitters: Likely benign (2). Last evaluated 2026-07-06.

Conditions:
Rhabdoid tumor predisposition syndrome 2 (RTPS2). Identifiers: Orphanet 231108, Orphanet 69077, MedGen C2750074, MONDO:0013224, OMIM 613325.

gnomAD v4.1: 5 of 1,535,670 alleles (0.00033%); highest among the groups gnomAD compares: South Asian, 0.0036%; no homozygotes.

Submissions (2):

Myriad Genetics, Inc.
Classification: Likely benign for Rhabdoid tumor predisposition syndrome 2. Last evaluated: 2026-07-06. Review status: criteria provided, single submitter. Criteria: Myriad Autosomal Dominant, Autosomal Recessive and X-Linked Classification Criteria (2023). Collection method: clinical testing. Allele origin: unknown.
Comment: This variant is considered likely benign. This variant is intronic and is not expected to impact mRNA splicing.

Labcorp Genetics (formerly Invitae), Labcorp
Classification: Likely benign for Rhabdoid tumor predisposition syndrome 2. Last evaluated: 2024-12-02. Review status: criteria provided, single submitter. Criteria: Invitae Variant Classification Sherloc (09022015). Collection method: clinical testing. Allele origin: germline.

NM_003072.5(SMARCA4):c.760+7C>T

Gene: SMARCA4 (SWI/SNF related BAF chromatin remodeling complex subunit ATPase 4; plus strand). Cytogenetic location: 19p13.2.
Variant type: single nucleotide variant.
Coding change: c.760+7C>T on transcript NM_003072.5 (MANE Select); 7 bases into the intron after coding-DNA position 760, C replaced by T.
Molecular consequence: intron variant.
Genome position (GRCh38, 1-based): chr19:10,986,600, C>T. VCF-style: chr19-10986600-C-T. GRCh37 (hg19) VCF-style: chr19-11097276-C-T.
Other names: c.760+7C>T (NM_001128844.3, NM_001128849.3, NM_001128847.4 and 6 more transcripts).
Identifiers: ClinVar variation 2920087 (VCV002920087.4), dbSNP rs1257824177, ClinGen allele CA2322707871.